The following is an entry in ClinVar:

ClinVar aggregate classification (germline): Uncertain significance. Review status: criteria provided, multiple submitters, no conflicts (2 of 4 stars). 2 submissions from 2 submitters: Uncertain significance (2). Last evaluated 2023-05-16.

Conditions:
Ehlers-Danlos syndrome, classic type, 2 (EDSCL2). Also called: Ehlers-Danlos syndrome, type 2; Ehlers-Danlos syndrome type 2 (formerly); Ehlers-Danlos Syndrome, Classic Type, COL5A2-Related. Identifiers: Orphanet 287, Orphanet 90318, MedGen C0268336, MONDO:0019568, OMIM 130010.
Ehlers-Danlos syndrome, classic type, 1 (EDSCL1). Also called: EDS I; EHLERS-DANLOS SYNDROME, GRAVIS TYPE; EHLERS-DANLOS SYNDROME, SEVERE CLASSIC TYPE; Ehlers-Danlos syndrome, type 1; Ehlers-Danlos Syndrome, Classic Type, COL5A1-Related. Identifiers: MedGen C0268335, MONDO:0019567, OMIM 130000.

Allele frequency attached by ClinVar (database versions not stated): TOPMed 0.00001.

Submissions (2):

Labcorp Genetics (formerly Invitae), Labcorp
Classification: Uncertain significance for Ehlers-Danlos syndrome, classic type, 1. Last evaluated: 2023-05-16. Review status: criteria provided, single submitter. Criteria: Invitae Variant Classification Sherloc (09022015). Collection method: clinical testing. Allele origin: germline.
Comment: ClinVar contains an entry for this variant (Variation ID: 2440335). This variant has not been reported in the literature in individuals affected with COL5A2-related conditions. This variant is not present in population databases (gnomAD no frequency). This sequence change replaces lysine, which is basic and polar, with glutamic acid, which is acidic and polar, at codon 1395 of the COL5A2 protein (p.Lys1395Glu). In summary, the available evidence is currently insufficient to determine the role of this variant in disease. Therefore, it has been classified as a Variant of Uncertain Significance. Algorithms developed to predict the effect of sequence changes on RNA splicing suggest that this variant may create or strengthen a splice site. Advanced modeling of protein sequence and biophysical properties (such as structural, functional, and spatial information, amino acid conservation, physicochemical variation, residue mobility, and thermodynamic stability) performed at Invitae indicates that this missense variant is not expected to disrupt COL5A2 protein function.

Revvity Omics, Revvity
Classification: Uncertain significance for Ehlers-Danlos syndrome, classic type, 2. Last evaluated: 2021-03-31. Review status: criteria provided, single submitter. Criteria: ACMG Guidelines, 2015. Collection method: clinical testing. Allele origin: germline.

NM_000393.5(COL5A2):c.4183A>G (p.Lys1395Glu)

Gene: COL5A2 (collagen type V alpha 2 chain; minus strand). Cytogenetic location: 2q32.2.
Variant type: single nucleotide variant.
Coding change: c.4183A>G on transcript NM_000393.5 (MANE Select); coding-DNA position 4183, A replaced by G.
Protein change: p.Lys1395Glu; replaces lysine 1395 with glutamic acid.
Molecular consequence: missense variant.
Genome position (GRCh38, 1-based): chr2:189,035,086, T>C on the plus strand (A>G on the coding strand, the complement: COL5A2 is on the minus strand). VCF-style: chr2-189035086-T-C. GRCh37 (hg19) VCF-style: chr2-189899812-T-C.
Other names: short protein forms K1395E.
Identifiers: ClinVar variation 2440335 (VCV002440335.6), dbSNP rs1302199988, ClinGen allele CA349855161.
Genomic context (GRCh38, chr2:189,035,086, plus strand): 5'-GATCGTCCATGTATCCTACACTGTTTTTACAGATGTAAGTGATGTTCTGGGAGGCTTCTT[T>C]TGATAAAAGGCGCAAAAAAGTCATCTGAGTAATGGCTGTATTAGGTGATTGGTGGTCTCC-3'
Protein context (NP_000384.2, residues 1385-1405): TQMTFLRLLS[Lys1395Glu]EASQNITYIC